The following is an entry in ClinVar:

NM_000426.4(LAMA2):c.2572C>A (p.Pro858Thr)

Gene: LAMA2 (laminin subunit alpha 2; plus strand). Cytogenetic location: 6q22.33.
Variant type: single nucleotide variant.
Coding change: c.2572C>A on transcript NM_000426.4 (MANE Select); coding-DNA position 2572, C replaced by A.
Protein change: p.Pro858Thr; replaces proline 858 with threonine.
Molecular consequence: missense variant.
Genome position (GRCh38, 1-based): chr6:129,287,881, C>A. VCF-style: chr6-129287881-C-A. GRCh37 (hg19) VCF-style: chr6-129609026-C-A.
Other names: c.2572C>A, p.Pro858Thr (NM_001079823.2); short protein forms P858T.
Identifiers: ClinVar variation 1063409 (VCV001063409.9), dbSNP rs148749681, ClinGen allele CA365609767.

ClinVar aggregate classification (germline): Uncertain significance (1 of 4 stars; one submission).

Conditions:
LAMA2-related muscular dystrophy (LAMA2-RD). Also called: Laminin alpha 2-related dystrophy. Identifiers: MedGen C5679788, MONDO:0100228.

Submission:

Labcorp Genetics (formerly Invitae), Labcorp
Classification: Uncertain significance for LAMA2-related muscular dystrophy. Last evaluated: 2022-06-13. Review status: criteria provided, single submitter. Criteria: Invitae Variant Classification Sherloc (09022015). Collection method: clinical testing. Allele origin: germline.
Comment: In summary, the available evidence is currently insufficient to determine the role of this variant in disease. Therefore, it has been classified as a Variant of Uncertain Significance. Advanced modeling of protein sequence and biophysical properties (such as structural, functional, and spatial information, amino acid conservation, physicochemical variation, residue mobility, and thermodynamic stability) performed at Invitae indicates that this missense variant is not expected to disrupt LAMA2 protein function. ClinVar contains an entry for this variant (Variation ID: 1063409). This variant has not been reported in the literature in individuals affected with LAMA2-related conditions. This variant is not present in population databases (gnomAD no frequency). This sequence change replaces proline, which is neutral and non-polar, with threonine, which is neutral and polar, at codon 858 of the LAMA2 protein (p.Pro858Thr).